The following is an entry in ClinVar:

ClinVar aggregate classification (germline): Uncertain significance (1 of 4 stars; one submission).

Conditions:
Macular degeneration, early-onset (EOMD). Identifiers: MedGen C4015286, MONDO:0014501, OMIM 616118.
Congenital contractural arachnodactyly (CCA). Also called: BEALS SYNDROME; Beals-Hecht syndrome; Arthrogryposis, distal, type 9. Identifiers: Orphanet 115, MedGen C0220668, MONDO:0007363, OMIM 121050.

Submission:

Center for Genomics, Ann and Robert H. Lurie Children's Hospital of Chicago
Classification: Uncertain significance for Macular degeneration, early-onset; Congenital contractural arachnodactyly. Review status: criteria provided, single submitter. Criteria: ACMG Guidelines, 2015. Collection method: clinical testing. Allele origin: germline.
Comment: FBN2 NM_001999.3 exon 65 p.Gln2849= (c.8547A>G): This variant has not been reported in the literature and is not present in large control databases. Evolutionary conservation and computational predictive tools for this variant are limited or unavailable. Of note, this variant is a silent variant and does not change the amino acid, reducing the probability that this variant is disease causing. In summary, data on this variant is insufficient for disease classification. Therefore, the clinical significance of this variant is uncertain.

NM_001999.4(FBN2):c.8547A>G (p.Gln2849=)

Gene: FBN2 (fibrillin 2; minus strand). Cytogenetic location: 5q23.3.
Variant type: single nucleotide variant.
Coding change: c.8547A>G on transcript NM_001999.4 (MANE Select); coding-DNA position 8547, A replaced by G.
Protein change: p.Gln2849=; no amino-acid change (glutamine 2849 retained).
Molecular consequence: synonymous variant.
Genome position (GRCh38, 1-based): chr5:128,259,647, T>C on the plus strand (A>G on the coding strand, the complement: FBN2 is on the minus strand). VCF-style: chr5-128259647-T-C. GRCh37 (hg19) VCF-style: chr5-127595339-T-C.
Identifiers: ClinVar variation 626104 (VCV000626104.4), dbSNP rs1561733846, ClinGen allele CA446491549.